The following is an entry in ClinVar:

NM_001384140.1(PCDH15):c.1744_1745insTA (p.Thr582fs)

Gene: PCDH15 (protocadherin related 15; minus strand). Cytogenetic location: 10q21.1.
Variant type: Insertion.
Coding change: c.1744_1745insTA on transcript NM_001384140.1 (MANE Select); coding-DNA positions 1744 to 1745, TA inserted.
Protein change: p.Thr582fs; shifts the reading frame from threonine 582.
Molecular consequence: frameshift variant.
Genome position: GRCh38 VCF-style: chr10-54153139-G-GTA. GRCh37 (hg19) VCF-style: chr10-55912899-G-GTA.
Other names: c.1759_1760insTA, p.Thr587fs (NM_001142763.2, NM_001142771.2); c.1744_1745insTA, p.Thr582fs (NM_001142764.2, NM_001142765.2, NM_001142766.2 and 6 more transcripts); c.1633_1634insTA, p.Thr545fs (NM_001142767.2); c.1678_1679insTA, p.Thr560fs (NM_001142768.2, NM_001142773.2, NM_001354404.2); c.1779_1780insAT, p.Thr594Ilefs (NM_001142769.4); c.1765_1766insTA, p.Thr589fs (NM_001354411.2); short protein forms T545fs, T560fs, T582fs, T587fs, T589fs, T594fs.
Identifiers: ClinVar variation 5012747 (VCV005012747.1).

ClinVar aggregate classification (germline): Pathogenic (1 of 4 stars; one submission).

Conditions:
Usher syndrome type 1F (USH1F). Also called: USHER SYNDROME, TYPE IF. Identifiers: Orphanet 231169, Orphanet 886, MedGen C1865885, MONDO:0011186, OMIM 602083.

Submission:

Myriad Genetics, Inc.
Classification: Pathogenic for Usher syndrome type 1F. Last evaluated: 2024-02-16. Review status: criteria provided, single submitter. Criteria: Myriad Autosomal Dominant, Autosomal Recessive and X-Linked Classification Criteria (2023). Collection method: clinical testing. Allele origin: unknown.
Comment: NM_033056.3(PCDH15):c.1744_1745insTA(T582Ifs*39) is expected to be pathogenic in the context of PCDH15-related disorders. This variant is predicted to lead to an abnormal or absent protein product due to the creation of a premature termination codon in PCDH15, a gene where loss-of-function variants are known to be pathogenic. Please note: this variant was assessed in the context of healthy population screening.